The following is an entry in ClinVar:

NM_000212.3(ITGB3):c.2024G>A (p.Gly675Asp)

Gene: ITGB3 (integrin subunit beta 3; plus strand). Cytogenetic location: 17q21.32.
Variant type: single nucleotide variant.
Coding change: c.2024G>A on transcript NM_000212.3 (MANE Select); coding-DNA position 2024, G replaced by A.
Protein change: p.Gly675Asp; replaces glycine 675 with aspartic acid.
Molecular consequence: missense variant.
Genome position (GRCh38, 1-based): chr17:47,302,730, G>A. VCF-style: chr17-47302730-G-A. GRCh37 (hg19) VCF-style: chr17-45380096-G-A.
Other names: short protein forms G675D.
Identifiers: ClinVar variation 3709167 (VCV003709167.3).

ClinVar aggregate classification (germline): Uncertain significance. Review status: criteria provided, multiple submitters, no conflicts (2 of 4 stars). 2 submissions from 2 submitters: Uncertain significance (2). Last evaluated 2026-07-08.

Conditions:
Inborn genetic diseases. Identifiers: MedGen C0950123, MeSH D030342.

gnomAD v4.1: 4 of 1,613,948 alleles (0.00025%); highest among the groups gnomAD compares: Admixed American, 0.0033%; no homozygotes.

Submissions (2):

Ambry Genetics
Classification: Uncertain significance for Inborn genetic diseases. Last evaluated: 2026-07-08. Review status: criteria provided, single submitter. Criteria: Ambry Variant Classification Scheme 2023. Collection method: clinical testing. Allele origin: germline.

Labcorp Genetics (formerly Invitae), Labcorp
Classification: Uncertain significance. Last evaluated: 2024-11-02. Review status: criteria provided, single submitter. Criteria: Invitae Variant Classification Sherloc (09022015). Collection method: clinical testing. Allele origin: germline.
Comment: This sequence change replaces glycine, which is neutral and non-polar, with aspartic acid, which is acidic and polar, at codon 675 of the ITGB3 protein (p.Gly675Asp). This variant is not present in population databases (gnomAD no frequency). This variant has not been reported in the literature in individuals affected with ITGB3-related conditions. Invitae Evidence Modeling of protein sequence and biophysical properties (such as structural, functional, and spatial information, amino acid conservation, physicochemical variation, residue mobility, and thermodynamic stability) indicates that this missense variant is not expected to disrupt ITGB3 protein function with a negative predictive value of 80%. In summary, the available evidence is currently insufficient to determine the role of this variant in disease. Therefore, it has been classified as a Variant of Uncertain Significance.